The following is an entry in ClinVar:

ClinVar aggregate classification (germline): Conflicting classifications of pathogenicity. Review status: criteria provided, conflicting classifications (1 of 4 stars). 2 submissions from 2 submitters: Uncertain significance (1); Likely benign (1). Last evaluated 2024-01-17.

Conditions:
Early-infantile DEE. Also called: Early infantile epileptic encephalopathy; Ohtahara syndrome; Early infantile epileptic encephalopathy with suppression bursts. Identifiers: Orphanet 1934, MedGen C0393706, MONDO:0800491.

Allele frequency attached by ClinVar (database versions not stated): gnomAD exomes 0.00001.
gnomAD v4.1: 3 of 1,613,698 alleles (0.00019%); highest among the groups gnomAD compares: Non-Finnish European, 0.00025%; no homozygotes.

Submissions (2):

Labcorp Genetics (formerly Invitae), Labcorp
Classification: Likely benign for Early-infantile DEE. Last evaluated: 2024-01-17. Review status: criteria provided, single submitter. Criteria: Invitae Variant Classification Sherloc (09022015). Collection method: clinical testing. Allele origin: germline.

CeGaT Center for Human Genetics Tuebingen
Classification: Uncertain significance. Last evaluated: 2023-09-01. Review status: criteria provided, single submitter. Criteria: CeGaT Center For Human Genetics Tuebingen Variant Classification Criteria Version 2. Collection method: clinical testing. Allele origin: germline. Affected: yes. Observed: 1 variant allele.
Comment: HCN1: PM2:Supporting, BP4

NM_021072.4(HCN1):c.654A>G (p.Leu218=)

Gene: HCN1 (hyperpolarization activated cyclic nucleotide gated potassium channel 1; minus strand). Cytogenetic location: 5p12.
Variant type: single nucleotide variant.
Coding change: c.654A>G on transcript NM_021072.4 (MANE Select); coding-DNA position 654, A replaced by G.
Protein change: p.Leu218=; no amino-acid change (leucine 218 retained).
Molecular consequence: synonymous variant.
Genome position (GRCh38, 1-based): chr5:45,645,380, T>C on the plus strand (A>G on the coding strand, the complement: HCN1 is on the minus strand). VCF-style: chr5-45645380-T-C. GRCh37 (hg19) VCF-style: chr5-45645482-T-C.
Identifiers: ClinVar variation 2583029 (VCV002583029.28), dbSNP rs1561230533, ClinGen allele CA444401798.
Genomic context (GRCh38, chr5:45,645,380, plus strand): 5'-AATAAGAAAGATATAATCCACTGGGATGGATGAGATGAAGTCAACCACAAACCAGCTTTT[T>C]AAATAATTCATCTTGATCACTTTGGGGTCCAGGATGATTTCAGAACTGTCTTCATTGACA-3'
Protein context (NP_066550.2, residues 208-228): LDPKVIKMNY[Leu218=]KSWFVVDFIS